The following is an entry in ClinVar:

ClinVar aggregate classification (germline): Uncertain significance (1 of 4 stars; one submission).

Submission:

Labcorp Genetics (formerly Invitae), Labcorp
Classification: Uncertain significance. Last evaluated: 2025-01-08. Review status: criteria provided, single submitter. Criteria: Invitae Variant Classification Sherloc (09022015). Collection method: clinical testing. Allele origin: germline.
Comment: This sequence change replaces leucine, which is neutral and non-polar, with glutamine, which is neutral and polar, at codon 2057 of the LAMA1 protein (p.Leu2057Gln). This variant is not present in population databases (gnomAD no frequency). This variant has not been reported in the literature in individuals affected with LAMA1-related conditions. Invitae Evidence Modeling of protein sequence and biophysical properties (such as structural, functional, and spatial information, amino acid conservation, physicochemical variation, residue mobility, and thermodynamic stability) indicates that this missense variant is expected to disrupt LAMA1 protein function with a positive predictive value of 80%. In summary, the available evidence is currently insufficient to determine the role of this variant in disease. Therefore, it has been classified as a Variant of Uncertain Significance.

NM_005559.4(LAMA1):c.6170T>A (p.Leu2057Gln)

Gene: LAMA1 (laminin subunit alpha 1; minus strand). Cytogenetic location: 18p11.31.
Variant type: single nucleotide variant.
Coding change: c.6170T>A on transcript NM_005559.4 (MANE Select); coding-DNA position 6170, T replaced by A.
Protein change: p.Leu2057Gln; replaces leucine 2057 with glutamine.
Molecular consequence: missense variant.
Genome position (GRCh38, 1-based): chr18:6,978,216, A>T on the plus strand (T>A on the coding strand, the complement: LAMA1 is on the minus strand). VCF-style: chr18-6978216-A-T. GRCh37 (hg19) VCF-style: chr18-6978215-A-T.
Other names: short protein forms L2057Q.
Identifiers: ClinVar variation 3689847 (VCV003689847.2).